The following is an entry in ClinVar:

NM_001378183.1(PIEZO2):c.5090-20G>T

Gene: PIEZO2 (piezo type mechanosensitive ion channel component 2; minus strand). Cytogenetic location: 18p11.22.
Variant type: single nucleotide variant.
Coding change: c.5090-20G>T on transcript NM_001378183.1 (MANE Select); 20 bases into the intron before coding-DNA position 5090, G replaced by T.
Molecular consequence: intron variant.
Genome position (GRCh38, 1-based): chr18:10,715,836, C>A on the plus strand (G>T on the coding strand, the complement: PIEZO2 is on the minus strand). VCF-style: chr18-10715836-C-A. GRCh37 (hg19) VCF-style: chr18-10715834-C-A.
Other names: c.4916-20G>T (NM_022068.4); c.4991-20G>T (NM_001410871.1).
Identifiers: ClinVar variation 3233558 (VCV003233558.2), dbSNP rs765922819, ClinGen allele CA8892357.

ClinVar aggregate classification (germline): Likely benign (1 of 4 stars; one submission).

Allele frequency attached by ClinVar (database versions not stated): ExAC 0.00008.
gnomAD v4.1: 17 of 1,494,932 alleles (0.0011%); highest among the groups gnomAD compares: South Asian, 0.015%; 1 homozygote.

Submission:

Women's Health and Genetics/Laboratory Corporation of America, LabCorp
Classification: Likely benign. Last evaluated: 2024-03-08. Review status: criteria provided, single submitter. Criteria: LabCorp Variant Classification Summary - May 2015. Collection method: clinical testing. Allele origin: germline.
Comment: Variant summary: PIEZO2 c.4916-20G>T alters a non-conserved nucleotide located at a position not widely known to affect splicing. Consensus agreement among computation tools predict no significant impact on normal splicing. However, these predictions have yet to be confirmed by functional studies. The variant allele was found at a frequency of 4e-05 in 125446 control chromosomes. The available data on variant occurrences in the general population are insufficient to allow any conclusion about variant significance. To our knowledge, no occurrence of c.4916-20G>T in individuals affected with PIEZO2-Related Disorders and no experimental evidence demonstrating its impact on protein function have been reported. No submitters have cited clinical-significance assessments for this variant to ClinVar. Based on the evidence outlined above, the variant was classified as likely benign.